The following is an entry in ClinVar:

ClinVar aggregate classification (germline): Uncertain significance (1 of 4 stars; one submission).

Conditions:
Intellectual developmental disorder, autosomal dominant 43. Also called: Intellectual disability, autosomal dominant 43. Identifiers: MedGen C4707429, MONDO:0014858, OMIM 616977.

gnomAD v4.1: 2 of 1,614,230 alleles (0.00012%); highest among the groups gnomAD compares: African/African-American, 0.0027%; no homozygotes.

Submission:

Laboratorio de Genetica e Diagnostico Molecular, Hospital Israelita Albert Einstein
Classification: Uncertain significance for Intellectual developmental disorder, autosomal dominant 43. Last evaluated: 2023-03-17. Review status: criteria provided, single submitter. Criteria: ACMG Guidelines, 2015. Collection method: clinical testing. Allele origin: germline. Affected: yes.
Comment: ACMG classification criteria: PM2 moderate, BP4 supporting

NM_006734.4(HIVEP2):c.2050G>T (p.Val684Leu)

Gene: HIVEP2 (HIVEP zinc finger 2; minus strand). Cytogenetic location: 6q24.2.
Variant type: single nucleotide variant.
Coding change: c.2050G>T on transcript NM_006734.4 (MANE Select); coding-DNA position 2050, G replaced by T.
Protein change: p.Val684Leu; replaces valine 684 with leucine.
Molecular consequence: missense variant.
Genome position (GRCh38, 1-based): chr6:142,772,689, C>A on the plus strand (G>T on the coding strand, the complement: HIVEP2 is on the minus strand). VCF-style: chr6-142772689-C-A. GRCh37 (hg19) VCF-style: chr6-143093826-C-A.
Other names: short protein forms V684L.
Identifiers: ClinVar variation 4056652 (VCV004056652.1).